The following is an entry in ClinVar:

NM_015100.4(POGZ):c.373G>A (p.Val125Ile)

Gene: POGZ (pogo transposable element derived with ZNF domain; minus strand). Cytogenetic location: 1q21.3.
Variant type: single nucleotide variant.
Coding change: c.373G>A on transcript NM_015100.4 (MANE Select); coding-DNA position 373, G replaced by A.
Protein change: p.Val125Ile; replaces valine 125 with isoleucine.
Molecular consequence: missense variant. On other transcripts: intron variant (1).
Genome position (GRCh38, 1-based): chr1:151,430,752, C>T on the plus strand (G>A on the coding strand, the complement: POGZ is on the minus strand). VCF-style: chr1-151430752-C-T. GRCh37 (hg19) VCF-style: chr1-151403228-C-T.
Other names: c.373G>A, p.Val125Ile (NM_001194937.2); c.214G>A, p.Val72Ile (NM_001194938.2, NM_207171.2); c.394G>A, p.Val132Ile (NM_001410860.1); c.284-2339G>A (NM_145796.4); short protein forms V125I, V132I, V72I.
Identifiers: ClinVar variation 2633281 (VCV002633281.1), dbSNP rs2529542692, ClinGen allele CA341982412.

ClinVar aggregate classification (germline): Uncertain significance (1 of 4 stars; one submission).

Conditions:
POGZ-related disorder. Also called: POGZ-related condition.

Submission:

PreventionGenetics, part of Exact Sciences
Classification: Uncertain significance for POGZ-related condition. Last evaluated: 2023-06-16. Review status: criteria provided, single submitter. Criteria: ACMG Guidelines, 2015. Collection method: clinical testing. Allele origin: germline.
Comment: The POGZ c.373G>A variant is predicted to result in the amino acid substitution p.Val125Ile. To our knowledge, this variant has not been reported in the literature or in a large population database, indicating this variant is rare. At this time, the clinical significance of this variant is uncertain due to the absence of conclusive functional and genetic evidence.